The following is an entry in ClinVar:

ClinVar aggregate classification (germline): Likely benign (1 of 4 stars; one submission).

Allele frequency attached by ClinVar (database versions not stated): 1000 Genomes Project 0.00759; 1000 Genomes Project 30x 0.00796; TOPMed 0.01448; gnomAD 0.01462 and 0.01515.
gnomAD v4.1: 2,268 of 152,268 alleles (1.5%); highest among the groups gnomAD compares: Non-Finnish European, 2.5%; 25 homozygotes.

Submission:

GeneDx
Classification: Likely benign. Last evaluated: 2018-06-14. Review status: criteria provided, single submitter. Criteria: GeneDx Variant Classification (06012015). Collection method: clinical testing. Allele origin: germline. Affected: yes.
Comment: This variant is considered likely benign or benign based on one or more of the following criteria: it is a conservative change, it occurs at a poorly conserved position in the protein, it is predicted to be benign by multiple in silico algorithms, and/or has population frequency not consistent with disease.

NM_014244.5(ADAMTS2):c.3089-294G>A

Gene: ADAMTS2 (ADAM metallopeptidase with thrombospondin type 1 motif 2; minus strand). Cytogenetic location: 5q35.3.
Variant type: single nucleotide variant.
Coding change: c.3089-294G>A on transcript NM_014244.5 (MANE Select); 294 bases into the intron before coding-DNA position 3089, G replaced by A.
Molecular consequence: intron variant.
Genome position (GRCh38, 1-based): chr5:179,122,044, C>T on the plus strand (G>A on the coding strand, the complement: ADAMTS2 is on the minus strand). VCF-style: chr5-179122044-C-T. GRCh37 (hg19) VCF-style: chr5-178549045-C-T.
Identifiers: ClinVar variation 672823 (VCV000672823.1), dbSNP rs12374473, ClinGen allele CA12176071.